The following is an entry in ClinVar:

ClinVar aggregate classification (germline): Uncertain significance. Review status: criteria provided, multiple submitters, no conflicts (2 of 4 stars). 2 submissions from 2 submitters: Uncertain significance (2). Last evaluated 2026-01-28.

Allele frequency attached by ClinVar (database versions not stated): TOPMed below 0.00001; ExAC 0.00001.
gnomAD v4.1: 2 of 1,613,986 alleles (0.00012%); highest among the groups gnomAD compares: African/African-American, 0.0013%; no homozygotes.

Submissions (2):

Women's Health and Genetics/Laboratory Corporation of America, LabCorp
Classification: Uncertain significance. Last evaluated: 2026-01-28. Review status: criteria provided, single submitter. Criteria: LabCorp Variant Classification Summary - May 2015. Collection method: clinical testing. Allele origin: germline.
Comment: Variant summary: ABCA3 c.759C>A (p.Asp253Glu) results in a conservative amino acid change in the encoded protein sequence. Algorithms developed to predict the effect of missense changes on protein structure and function are either unavailable or do not agree on the potential impact of this missense change. The variant allele was found at a frequency of 8e-06 in 251230 control chromosomes. The available data on variant occurrences in the general population are insufficient to allow any conclusion about variant significance. To our knowledge, no occurrence of c.759C>A in individuals affected with ABCA3-related conditions and no experimental evidence demonstrating its impact on protein function have been reported. A different variant affecting the same codon has been classified as likely pathogenic by our lab (c.757G>C, p.Asp253His), supporting the critical relevance of codon 253 to ABCA3 protein function. ClinVar contains an entry for this variant (Variation ID: 1910137). Based on the evidence outlined above, the variant was classified as uncertain significance.

Labcorp Genetics (formerly Invitae), Labcorp
Classification: Uncertain significance. Last evaluated: 2022-09-27. Review status: criteria provided, single submitter. Criteria: Invitae Variant Classification Sherloc (09022015). Collection method: clinical testing. Allele origin: germline.
Comment: This sequence change replaces aspartic acid, which is acidic and polar, with glutamic acid, which is acidic and polar, at codon 253 of the ABCA3 protein (p.Asp253Glu). This variant is present in population databases (rs758756788, gnomAD 0.007%). This variant has not been reported in the literature in individuals affected with ABCA3-related conditions. Advanced modeling of protein sequence and biophysical properties (such as structural, functional, and spatial information, amino acid conservation, physicochemical variation, residue mobility, and thermodynamic stability) performed at Invitae indicates that this missense variant is expected to disrupt ABCA3 protein function. This variant disrupts the p.Asp253 amino acid residue in ABCA3. Other variant(s) that disrupt this residue have been determined to be pathogenic (PMID: 22068586, 23814005). This suggests that this residue is clinically significant, and that variants that disrupt this residue are likely to be disease-causing. In summary, the available evidence is currently insufficient to determine the role of this variant in disease. Therefore, it has been classified as a Variant of Uncertain Significance.

Literature cited by the submitters: PubMed 22068586 (cited by Labcorp Genetics (formerly Invitae), Labcorp); PubMed 23814005 (cited by Labcorp Genetics (formerly Invitae), Labcorp).

NM_001089.3(ABCA3):c.759C>A (p.Asp253Glu)

Gene: ABCA3 (ATP binding cassette subfamily A member 3; minus strand). Cytogenetic location: 16p13.3.
Variant type: single nucleotide variant.
Coding change: c.759C>A on transcript NM_001089.3 (MANE Select); coding-DNA position 759, C replaced by A.
Protein change: p.Asp253Glu; replaces aspartic acid 253 with glutamic acid.
Molecular consequence: missense variant.
Genome position (GRCh38, 1-based): chr16:2,319,695, G>T on the plus strand (C>A on the coding strand, the complement: ABCA3 is on the minus strand). VCF-style: chr16-2319695-G-T. GRCh37 (hg19) VCF-style: chr16-2369696-G-T.
Other names: short protein forms D253E.
Identifiers: ClinVar variation 1910137 (VCV001910137.3), dbSNP rs758756788, ClinGen allele CA7841525.